The following is an entry in ClinVar:

ClinVar aggregate classification (germline): Uncertain significance. Review status: criteria provided, multiple submitters, no conflicts (2 of 4 stars). 2 submissions from 2 submitters: Uncertain significance (2). Last evaluated 2023-10-13.

Conditions:
Progressive familial heart block type IB (PFHB1B). Identifiers: Orphanet 871, MedGen C1970298, MONDO:0011474, OMIM 604559.
Cardiovascular phenotype. Identifiers: MedGen CN230736.

Allele frequency attached by ClinVar (database versions not stated): gnomAD 0.00001.
gnomAD v4.1: 1 of 1,545,006 alleles (0.000065%); highest among the groups gnomAD compares: Admixed American, 0.002%; no homozygotes.

Submissions (2):

Labcorp Genetics (formerly Invitae), Labcorp
Classification: Uncertain significance for Progressive familial heart block type IB. Last evaluated: 2023-10-13. Review status: criteria provided, single submitter. Criteria: Invitae Variant Classification Sherloc (09022015). Collection method: clinical testing. Allele origin: germline.
Comment: This sequence change replaces proline, which is neutral and non-polar, with arginine, which is basic and polar, at codon 741 of the TRPM4 protein (p.Pro741Arg). This variant is not present in population databases (gnomAD no frequency). This variant has not been reported in the literature in individuals affected with TRPM4-related conditions. ClinVar contains an entry for this variant (Variation ID: 1787949). An algorithm developed to predict the effect of missense changes on protein structure and function (PolyPhen-2) suggests that this variant is likely to be tolerated. In summary, the available evidence is currently insufficient to determine the role of this variant in disease. Therefore, it has been classified as a Variant of Uncertain Significance.

Ambry Genetics
Classification: Uncertain significance for Cardiovascular phenotype. Last evaluated: 2021-08-10. Review status: criteria provided, single submitter. Criteria: Ambry Variant Classification Scheme 2023. Collection method: clinical testing. Allele origin: germline.
Comment: The p.P741R variant (also known as c.2222C>G), located in coding exon 17 of the TRPM4 gene, results from a C to G substitution at nucleotide position 2222. The proline at codon 741 is replaced by arginine, an amino acid with dissimilar properties. This amino acid position is well conserved in available vertebrate species; however, arginine is the reference amino acid in other vertebrate species. In addition, this alteration is predicted to be tolerated by in silico analysis. Since supporting evidence is limited at this time, the clinical significance of this alteration remains unclear.

NM_017636.4(TRPM4):c.2222C>G (p.Pro741Arg)

Gene: TRPM4 (transient receptor potential cation channel subfamily M member 4; plus strand). Cytogenetic location: 19q13.33.
Variant type: single nucleotide variant.
Coding change: c.2222C>G on transcript NM_017636.4 (MANE Select); coding-DNA position 2222, C replaced by G.
Protein change: p.Pro741Arg; replaces proline 741 with arginine.
Molecular consequence: missense variant. On other transcripts: intron variant (1).
Genome position (GRCh38, 1-based): chr19:49,196,451, C>G. VCF-style: chr19-49196451-C-G. GRCh37 (hg19) VCF-style: chr19-49699708-C-G.
Other names: c.614C>G, p.Pro205Arg (NM_001321282.2); c.1700C>G, p.Pro567Arg (NM_001321283.2); c.1160C>G, p.Pro387Arg (NM_001321285.2); c.2211-3849C>G (NM_001195227.2); c.1877C>G, p.Pro626Arg (NM_001321281.2); short protein forms P387R, P741R, P567R, P626R, P205R.
Identifiers: ClinVar variation 1787949 (VCV001787949.5), dbSNP rs1968638872, ClinGen allele CA406808471.
Genomic context (GRCh38, chr19:49,196,451, plus strand): 5'-CTCAGAGGTCAGAGTGAGGCCTCCTCCCTTCTCTTCTCTTCCCCCACAGGACGGCGGACC[C>G]AGCCGAGAAGACGCCGCTGGGGGTCCCGCGCCAGTCGGGCCGTCCGGGTTGCTGCGGGGG-3'
Protein context (NP_060106.2, residues 731-751): NGEGPVGTAD[Pro741Arg]AEKTPLGVPR